The following is an entry in ClinVar:

ClinVar aggregate classification (germline): Uncertain significance (1 of 4 stars; one submission).

gnomAD v4.1: 3 of 1,614,000 alleles (0.00019%); highest among the groups gnomAD compares: Admixed American, 0.0017%; no homozygotes.

Submission:

GeneDx
Classification: Uncertain significance. Last evaluated: 2017-03-28. Review status: criteria provided, single submitter. Criteria: GeneDx Variant Classification (06012015). Collection method: clinical testing. Allele origin: germline. Affected: yes.
Comment: A variant of uncertain significance has been identified in the CDK5RAP2 gene. The c.459 G>A variant has not been published as a pathogenic variant, nor has it been reported as a benign variant to our knowledge. The c.459 G>A variant is not observed in large population cohorts (Lek et al., 2016; 1000 Genomes Consortium et al., 2015; Exome Variant Server). Several in-silico splice prediction models predict that c.459 G>A creates a cryptic donor site which may supplant the natural donor site and lead to abnormal gene splicing. However, in the absence of RNA/functional studies, the actual effect of this sequence change in this individual is unknown. Additionally, this substitution occurs at a position that is not conserved. Therefore, based on the currently available information, it is unclear whether this variant is a pathogenic variant or a rare benign variant.

NM_018249.6(CDK5RAP2):c.459G>A (p.Val153=)

Gene: CDK5RAP2 (CDK5 regulatory subunit associated protein 2; minus strand). Cytogenetic location: 9q33.2.
Variant type: single nucleotide variant.
Coding change: c.459G>A on transcript NM_018249.6 (MANE Select); coding-DNA position 459, G replaced by A.
Protein change: p.Val153=; no amino-acid change (valine 153 retained).
Molecular consequence: synonymous variant. On other transcripts: non-coding transcript variant (5).
Genome position (GRCh38, 1-based): chr9:120,539,089, C>T on the plus strand (G>A on the coding strand, the complement: CDK5RAP2 is on the minus strand). VCF-style: chr9-120539089-C-T. GRCh37 (hg19) VCF-style: chr9-123301367-C-T.
Other names: c.459G>A, p.Val153= (NM_001011649.3, NM_001272039.2).
Identifiers: ClinVar variation 426896 (VCV000426896.2), dbSNP rs1085307847, ClinGen allele CA466924054.